The following is an entry in ClinVar:

ClinVar aggregate classification (germline): Uncertain significance (1 of 4 stars; one submission).

Conditions:
PDE1C-related disorder. Also called: PDE1C-related condition.

gnomAD v4.1: 35 of 1,584,920 alleles (0.0022%); highest among the groups gnomAD compares: Non-Finnish European, 0.0026%; no homozygotes.

Submission:

PreventionGenetics, part of Exact Sciences
Classification: Uncertain significance for PDE1C-related condition. Last evaluated: 2026-06-15. Review status: criteria provided, single submitter. Criteria: ACMG Guidelines, 2015. Collection method: clinical testing. Allele origin: germline.
Comment: The PDE1C c.410T>C variant is predicted to result in the amino acid substitution p.Ile137Thr. To our knowledge, this variant has not been reported in the literature. This variant is reported in 0.0055% of alleles in individuals of East Asian descent in gnomAD. At this time, the clinical significance of this variant is uncertain due to the absence of conclusive functional and genetic evidence.

NM_001191057.4(PDE1C):c.230T>C (p.Ile77Thr)

Gene: PDE1C (phosphodiesterase 1C; minus strand). Cytogenetic location: 7p14.3.
Variant type: single nucleotide variant.
Coding change: c.230T>C on transcript NM_001191057.4 (MANE Select); coding-DNA position 230, T replaced by C.
Protein change: p.Ile77Thr; replaces isoleucine 77 with threonine.
Molecular consequence: missense variant.
Genome position (GRCh38, 1-based): chr7:31,880,759, A>G on the plus strand (T>C on the coding strand, the complement: PDE1C is on the minus strand). VCF-style: chr7-31880759-A-G. GRCh37 (hg19) VCF-style: chr7-31920372-A-G.
Other names: c.230T>C, p.Ile77Thr (NM_001191056.3, NM_001191059.4, NM_001322055.2 and 3 more transcripts); c.410T>C, p.Ile137Thr (NM_001191058.4, NM_001322058.2); c.635T>C, p.Ile212Thr (NM_001322059.2); short protein forms I212T, I77T, I137T.
Identifiers: ClinVar variation 4978816 (VCV004978816.1).